The following is an entry in ClinVar:

ClinVar aggregate classification (germline): Likely benign (1 of 4 stars; one submission).

Submission:

CeGaT Center for Human Genetics Tuebingen
Classification: Likely benign. Last evaluated: 2026-05-01. Review status: criteria provided, single submitter. Criteria: CeGaT Center For Human Genetics Tuebingen Variant Classification Criteria Version 2. Collection method: clinical testing. Allele origin: germline. Affected: yes. Observed: 1 variant allele.
Comment: NLRP12: PM2:Supporting, BP4, BP7

NM_144687.4(NLRP12):c.1029G>A (p.Arg343=)

Gene: NLRP12 (NLR family pyrin domain containing 12; minus strand). Cytogenetic location: 19q13.42.
Variant type: single nucleotide variant.
Coding change: c.1029G>A on transcript NM_144687.4 (MANE Select); coding-DNA position 1029, G replaced by A.
Protein change: p.Arg343=; no amino-acid change (arginine 343 retained).
Molecular consequence: synonymous variant.
Genome position (GRCh38, 1-based): chr19:53,810,630, C>T on the plus strand (G>A on the coding strand, the complement: NLRP12 is on the minus strand). VCF-style: chr19-53810630-C-T. GRCh37 (hg19) VCF-style: chr19-54313884-C-T.
Other names: c.1029G>A, p.Arg343= (NM_001277126.2, NM_001277129.1).
Identifiers: ClinVar variation 4874877 (VCV004874877.2).